The following is an entry in ClinVar:

NM_003970.4(MYOM2):c.408G>A (p.Glu136=)

Gene: MYOM2 (myomesin 2; plus strand). Cytogenetic location: 8p23.3.
Variant type: single nucleotide variant.
Coding change: c.408G>A on transcript NM_003970.4 (MANE Select); coding-DNA position 408, G replaced by A.
Protein change: p.Glu136=; no amino-acid change (glutamic acid 136 retained).
Molecular consequence: synonymous variant.
Genome position (GRCh38, 1-based): chr8:2,057,628, G>A. VCF-style: chr8-2057628-G-A. GRCh37 (hg19) VCF-style: chr8-2005746-G-A.
Identifiers: ClinVar variation 3050784 (VCV003050784.2), dbSNP rs141788145, ClinGen allele CA170442079.

ClinVar aggregate classification (germline): Likely benign (0 of 4 stars; one submission).

Conditions:
MYOM2-related disorder. Also called: MYOM2-related condition.

Allele frequency attached by ClinVar (database versions not stated): gnomAD exomes 0.00012; ExAC 0.00043; ESP Exome Variant Server 0.00092; gnomAD 0.00128; TOPMed 0.00157; 1000 Genomes Project 0.00240; 1000 Genomes Project 30x 0.00281.
gnomAD v4.1: 391 of 1,614,056 alleles (0.024%); highest among the groups gnomAD compares: African/African-American, 0.47%; 3 homozygotes.

Submission:

PreventionGenetics, part of Exact Sciences
Classification: Likely benign for MYOM2-related condition. Last evaluated: 2019-07-13. Review status: no assertion criteria provided. Collection method: clinical testing. Allele origin: germline.
Comment: This variant is classified as likely benign based on ACMG/AMP sequence variant interpretation guidelines (Richards et al. 2015 PMID: 25741868, with internal and published modifications).